The following is an entry in ClinVar:

NM_007294.4(BRCA1):c.4198A>G (p.Met1400Val)

Gene: BRCA1 (BRCA1 DNA repair associated; minus strand). Cytogenetic location: 17q21.31.
Variant type: single nucleotide variant.
Coding change: c.4198A>G on transcript NM_007294.4 (MANE Select); coding-DNA position 4198, A replaced by G.
Protein change: p.Met1400Val; replaces methionine 1400 with valine.
Molecular consequence: missense variant. On other transcripts: non-coding transcript variant (1).
Genome position (GRCh38, 1-based): chr17:43,082,563, T>C on the plus strand (A>G on the coding strand, the complement: BRCA1 is on the minus strand). VCF-style: chr17-43082563-T-C. GRCh37 (hg19) VCF-style: chr17-41234580-T-C.
Other names: c.4198A>G, p.Met1400Val (NM_001407594.1, NM_001407596.1, NM_001407597.1 and 23 more transcripts); c.4195A>G, p.Met1399Val (NM_001407610.1, NM_001407611.1, NM_001407612.1 and 21 more transcripts); c.4072A>G, p.Met1358Val (NM_001407682.1, NM_001407683.1, NM_001407688.1 and 12 more transcripts); c.4069A>G, p.Met1357Val (NM_001407685.1, NM_001407686.1, NM_001407687.1 and 2 more transcripts); c.4054A>G, p.Met1352Val (NM_001407746.1, NM_001407747.1, NM_001407748.1 and 23 more transcripts); c.4192A>G, p.Met1398Val (NM_001407627.1, NM_001407628.1, NM_001407629.1 and 5 more transcripts); c.4186A>G, p.Met1396Val (NM_001407646.1, NM_001407647.1); c.4075A>G, p.Met1359Val (NM_001407648.1, NM_001407664.1, NM_001407665.1 and 13 more transcripts); and 51 more; short protein forms M1400V, M1353V, M297V, M1288V, M1289V, M1311V, M1312V, M1330V.
Identifiers: ClinVar variation 55137 (VCV000055137.16), dbSNP rs80357306, ClinGen allele CA002703.

ClinVar aggregate classification (germline): Uncertain significance. Review status: criteria provided, multiple submitters, no conflicts (2 of 4 stars). 4 submissions from 4 submitters: Uncertain significance (3). 1 of the submissions does not count toward it. Last evaluated 2025-05-06.

Conditions:
Hereditary breast ovarian cancer syndrome. Also called: BRCA1- and BRCA2-Associated Hereditary Breast and Ovarian Cancer; Hereditary breast and ovarian cancer syndrome; Hereditary breast and ovarian cancer syndrome (HBOC); Breast and ovarian cancer; Hereditary breast and/or ovarian cancer syndrome; Hereditary breast and ovarian cancer. Identifiers: Orphanet 145, MedGen C0677776, MeSH D061325, MONDO:0003582. Disease mechanism: loss of function.
Hereditary cancer-predisposing syndrome. Also called: Hereditary Cancer Syndrome; Hereditary neoplastic syndrome; Neoplastic Syndromes, Hereditary; Tumor predisposition. Identifiers: Orphanet 140162, MedGen C0027672, MeSH D009386, MONDO:0015356.
Breast-ovarian cancer, familial, susceptibility to, 1 (BROVCA1). Also called: BRCA1 Hereditary Breast and Ovarian Cancer; OVARIAN CANCER, SUSCEPTIBILITY TO. Identifiers: Orphanet 145, MedGen C2676676, MONDO:0011450, OMIM 604370. Disease mechanism: loss of function.

Allele frequency attached by ClinVar (database versions not stated): gnomAD exomes below 0.00001.

Submissions (4):

Labcorp Genetics (formerly Invitae), Labcorp
Classification: Uncertain significance for Hereditary breast ovarian cancer syndrome. Last evaluated: 2025-05-06. Review status: criteria provided, single submitter. Criteria: Invitae Variant Classification Sherloc (09022015). Collection method: clinical testing. Allele origin: germline.
Comment: This sequence change replaces methionine, which is neutral and non-polar, with valine, which is neutral and non-polar, at codon 1400 of the BRCA1 protein (p.Met1400Val). This variant is not present in population databases (gnomAD no frequency). This variant has not been reported in the literature in individuals affected with BRCA1-related conditions. ClinVar contains an entry for this variant (Variation ID: 55137). Invitae Evidence Modeling of protein sequence and biophysical properties (such as structural, functional, and spatial information, amino acid conservation, physicochemical variation, residue mobility, and thermodynamic stability) indicates that this missense variant is expected to disrupt BRCA1 protein function with a positive predictive value of 80%. Experimental studies are conflicting or provide insufficient evidence to determine the effect of this variant on BRCA1 function (PMID: 9369211, 23867111, 32546644). In summary, the available evidence is currently insufficient to determine the role of this variant in disease. Therefore, it has been classified as a Variant of Uncertain Significance.

Women's Health and Genetics/Laboratory Corporation of America, LabCorp
Classification: Uncertain significance. Last evaluated: 2025-03-31. Review status: criteria provided, single submitter. Criteria: LabCorp Variant Classification Summary - May 2015. Collection method: clinical testing. Allele origin: germline.
Comment: Variant summary: BRCA1 c.4198A>G (p.Met1400Val) results in a conservative amino acid change in the encoded protein sequence. Three of five in-silico tools predict a benign effect of the variant on protein function. The variant was absent in 251284 control chromosomes. The available data on variant occurrences in the general population are insufficient to allow any conclusion about variant significance. To our knowledge, no occurrence of c.4198A>G in individuals affected with Hereditary Breast And Ovarian Cancer Syndrome has been reported. Experimental studies are conflicting or provide insufficient evidence to determine the effect of this variant on BRCA1 function (Woods_2016, Anatha_2017, Sy_2009, Bouwman_2020). ClinVar contains an entry for this variant (Variation ID: 55137). Based on the evidence outlined above, the variant was classified as uncertain significance.

Ambry Genetics
Classification: Uncertain significance for Hereditary cancer-predisposing syndrome. Last evaluated: 2025-03-17. Review status: criteria provided, single submitter. Criteria: Ambry Variant Classification Scheme 2023. Collection method: clinical testing. Allele origin: germline.
Comment: The p.M1400V variant (also known as c.4198A>G), located in coding exon 11 of the BRCA1 gene, results from an A to G substitution at nucleotide position 4198. The methionine at codon 1400 is replaced by valine, an amino acid with highly similar properties. This alteration was not observed in unselected male breast cancer patients and was observed with an allele frequency of 0.0001 in 12,490 male controls of Japanese ancestry (Momozawa Y et al. Nat Commun, 2018 Oct;9:4083). Protein functional studies for this variant are conflicting with some assays indicating activity similar to wild-type, but others showing a deleterious impact (Sy SM et al. Proc Natl Acad Sci U S A, 2009 Apr;106:7155-60; Woods NT et al. NPJ Genom Med, 2016 Mar;1:16001; Anantha RW et al. Elife, 2017 Apr;6; Bouwman P et al. Cancer Discov, 2013 Oct;3:1142-55). This amino acid position is well conserved in available vertebrate species. In addition, the in silico prediction for this alteration is inconclusive. Since supporting evidence is conflicting at this time, the clinical significance of this alteration remains unclear.

Breast Cancer Information Core (BIC) (BRCA1)
Classification: Uncertain significance for Breast-ovarian cancer, familial 1. Last evaluated: 2002-05-29. Review status: no assertion criteria provided. Collection method: clinical testing. Allele origin: germline. Affected: yes. Observed: 1 variant allele. Not counted in ClinVar's aggregate classification.

Literature cited by the submitters: PubMed 9369211 (cited by Labcorp Genetics (formerly Invitae), Labcorp); PubMed 23867111 (cited by Labcorp Genetics (formerly Invitae), Labcorp and Ambry Genetics); PubMed 32546644 (cited by Labcorp Genetics (formerly Invitae), Labcorp and Women's Health and Genetics/Laboratory Corporation of America, LabCorp); PubMed 19369211 (cited by Women's Health and Genetics/Laboratory Corporation of America, LabCorp and Ambry Genetics); PubMed 28398198 (cited by Women's Health and Genetics/Laboratory Corporation of America, LabCorp and Ambry Genetics); PubMed 28781887 (cited by Women's Health and Genetics/Laboratory Corporation of America, LabCorp and Ambry Genetics); PubMed 30287823 (cited by Ambry Genetics); PubMed 30765603 (cited by Ambry Genetics).